The following is an entry in ClinVar:

NM_004287.5(GOSR2):c.371T>C (p.Leu124Pro)

Genes: LRRC37A2 (leucine rich repeat containing 37 member A2), GOSR2 (golgi SNAP receptor complex member 2; plus strand). Cytogenetic location: 17q21.32.
Variant type: single nucleotide variant.
Coding change: c.371T>C on transcript NM_004287.5 (MANE Select); coding-DNA position 371, T replaced by C.
Protein change: p.Leu124Pro; replaces leucine 124 with proline.
Molecular consequence: missense variant. On other transcripts: non-coding transcript variant (1), intron variant (4).
Genome position (GRCh38, 1-based): chr17:46,935,063, T>C. VCF-style: chr17-46935063-T-C. GRCh37 (hg19) VCF-style: chr17-45012429-T-C.
Other names: c.371T>C, p.Leu124Pro (NM_054022.4, NM_001012511.3, NM_001321133.2); c.333+2864T>C (NM_001353116.2, NM_001353115.2); c.368T>C, p.Leu123Pro (NM_001353114.2); c.317T>C, p.Leu106Pro (NM_001363851.2); c.282+2864T>C (NM_001321134.2); c.336+2864T>C (NM_001330252.2); short protein forms L124P, L106P, L123P.
Identifiers: ClinVar variation 962665 (VCV000962665.5), dbSNP rs1189596801, ClinGen allele CA400018019.

ClinVar aggregate classification (germline): Uncertain significance (1 of 4 stars; one submission).

Conditions:
Progressive myoclonic epilepsy. Also called: Familial progressive myoclonic epilepsy; Myoclonus epilepsy; Progressive myoclonus epilepsy; Myoclonic Epilepsies, Progressive. Identifiers: Orphanet 308, Orphanet 98261, MedGen C0751778, MONDO:0020074.

Allele frequency attached by ClinVar (database versions not stated): gnomAD 0.00001; gnomAD exomes 0.00001; TOPMed 0.00001.
gnomAD v4.1: 10 of 1,611,924 alleles (0.00062%); highest among the groups gnomAD compares: African/African-American, 0.0027%; no homozygotes.

Submission:

Labcorp Genetics (formerly Invitae), Labcorp
Classification: Uncertain significance for Progressive myoclonic epilepsy. Last evaluated: 2021-10-07. Review status: criteria provided, single submitter. Criteria: Invitae Variant Classification Sherloc (09022015). Collection method: clinical testing. Allele origin: germline.
Comment: This sequence change replaces leucine with proline at codon 124 of the GOSR2 protein (p.Leu124Pro). The leucine residue is highly conserved and there is a moderate physicochemical difference between leucine and proline. This variant is not present in population databases (ExAC no frequency). This variant has not been reported in the literature in individuals affected with GOSR2-related conditions. Algorithms developed to predict the effect of missense changes on protein structure and function (SIFT, PolyPhen-2, Align-GVGD) all suggest that this variant is likely to be disruptive. In summary, the available evidence is currently insufficient to determine the role of this variant in disease. Therefore, it has been classified as a Variant of Uncertain Significance.